The following is an entry in ClinVar:

ClinVar aggregate classification (germline): Uncertain significance (1 of 4 stars; one submission).

Conditions:
Combined immunodeficiency due to DOCK8 deficiency (HIES2). Also called: DOCK8 Deficiency; HIES autosomal recessive; Hyper-IgE recurrent infection syndrome, autosomal recessive; HYPER-IgE RECURRENT INFECTION SYNDROME 2, AUTOSOMAL RECESSIVE; HYPER-IgE SYNDROME 2, AUTOSOMAL RECESSIVE, WITH RECURRENT INFECTIONS. Identifiers: Orphanet 217390, MedGen C4722305, MONDO:0009478, OMIM 243700.

Allele frequency attached by ClinVar (database versions not stated): gnomAD exomes below 0.00001.
gnomAD v4.1: 5 of 1,614,168 alleles (0.00031%); highest among the groups gnomAD compares: Non-Finnish European, 0.00042%; no homozygotes.

Submission:

Labcorp Genetics (formerly Invitae), Labcorp
Classification: Uncertain significance for Combined immunodeficiency due to DOCK8 deficiency. Last evaluated: 2023-09-30. Review status: criteria provided, single submitter. Criteria: Invitae Variant Classification Sherloc (09022015). Collection method: clinical testing. Allele origin: germline.
Comment: This sequence change replaces aspartic acid, which is acidic and polar, with tyrosine, which is neutral and polar, at codon 1452 of the DOCK8 protein (p.Asp1452Tyr). This variant is not present in population databases (gnomAD no frequency). This variant has not been reported in the literature in individuals affected with DOCK8-related conditions. ClinVar contains an entry for this variant (Variation ID: 1426633). Advanced modeling of protein sequence and biophysical properties (such as structural, functional, and spatial information, amino acid conservation, physicochemical variation, residue mobility, and thermodynamic stability) has been performed at Invitae for this missense variant, however the output from this modeling did not meet the statistical confidence thresholds required to predict the impact of this variant on DOCK8 protein function. In summary, the available evidence is currently insufficient to determine the role of this variant in disease. Therefore, it has been classified as a Variant of Uncertain Significance.

NM_203447.4(DOCK8):c.4354G>T (p.Asp1452Tyr)

Gene: DOCK8 (dedicator of cytokinesis 8; plus strand). Cytogenetic location: 9p24.3.
Variant type: single nucleotide variant.
Coding change: c.4354G>T on transcript NM_203447.4 (MANE Select); coding-DNA position 4354, G replaced by T.
Protein change: p.Asp1452Tyr; replaces aspartic acid 1452 with tyrosine.
Molecular consequence: missense variant.
Genome position (GRCh38, 1-based): chr9:428,377, G>T. VCF-style: chr9-428377-G-T. GRCh37 (hg19) VCF-style: chr9-428377-G-T.
Other names: c.4054G>T, p.Asp1352Tyr (NM_001190458.2); c.4150G>T, p.Asp1384Tyr (NM_001193536.2); short protein forms D1452Y, D1352Y, D1384Y.
Identifiers: ClinVar variation 1426633 (VCV001426633.8), dbSNP rs2131703111, ClinGen allele CA372765955.